The following is an entry in ClinVar:

NM_007078.3(LDB3):c.690-4617G>A

Genes: LDB3 (LIM domain binding 3; plus strand), LOC110121486 (VISTA enhancer hs2143; plus strand). Cytogenetic location: 10q23.2.
Variant type: single nucleotide variant.
Coding change: c.690-4617G>A on transcript NM_007078.3 (MANE Select); 4617 bases into the intron before coding-DNA position 690, G replaced by A.
Molecular consequence: intron variant.
Genome position (GRCh38, 1-based): chr10:86,687,279, G>A. VCF-style: chr10-86687279-G-A. GRCh37 (hg19) VCF-style: chr10-88447036-G-A.
Other names: c.690-4617G>A (NM_001368064.1, NM_001368063.1, NM_001368065.1 and 1 more transcripts); c.548+7G>A (NM_001368068.1, NM_001368066.1, NM_001080114.2 and 2 more transcripts); c.893+7G>A (NM_001171610.2, NM_001171611.2).
Identifiers: ClinVar variation 301335 (VCV000301335.9), dbSNP rs754174632, ClinGen allele CA5584842.

ClinVar aggregate classification (germline): Likely benign. Review status: criteria provided, multiple submitters, no conflicts (2 of 4 stars). 3 submissions from 3 submitters: Likely benign (3). Last evaluated 2025-10-08.

Conditions:
Myofibrillar myopathy 4. Also called: Zaspopathy (type). Identifiers: Orphanet 98912, MedGen C4721886, MONDO:0012277, OMIM 609452.

Allele frequency attached by ClinVar (database versions not stated): TOPMed 0.00001; gnomAD exomes 0.00002 and 0.00003; gnomAD 0.00003 and 0.00004; ExAC 0.00005.
gnomAD v4.1: 31 of 1,613,622 alleles (0.0019%); highest among the groups gnomAD compares: African/African-American, 0.0027%; no homozygotes.

Submissions (3):

Labcorp Genetics (formerly Invitae), Labcorp
Classification: Likely benign for Myofibrillar myopathy 4. Last evaluated: 2025-10-08. Review status: criteria provided, single submitter. Criteria: Invitae Variant Classification Sherloc (09022015). Collection method: clinical testing. Allele origin: germline.

Blueprint Genetics
Classification: Likely benign. Last evaluated: 2024-09-09. Review status: criteria provided, single submitter. Criteria: ACMG Guidelines, 2015. Collection method: clinical testing. Allele origin: germline.

GeneDx
Classification: Likely benign. Last evaluated: 2017-03-20. Review status: criteria provided, single submitter. Criteria: GeneDx Variant Classification (06012015). Collection method: clinical testing. Allele origin: germline. Affected: yes.
Comment: This variant is considered likely benign or benign based on one or more of the following criteria: it is a conservative change, it occurs at a poorly conserved position in the protein, it is predicted to be benign by multiple in silico algorithms, and/or has population frequency not consistent with disease.